The following is an entry in ClinVar:

ClinVar aggregate classification (germline): Uncertain significance. Review status: criteria provided, multiple submitters, no conflicts (2 of 4 stars). 3 submissions from 3 submitters: Uncertain significance (3). Last evaluated 2025-11-01.

Conditions:
Epilepsy, familial focal, with variable foci 4 (FFEVF4). Identifiers: MedGen C4693694, MONDO:0054776, OMIM 617935.
Inborn genetic diseases. Identifiers: MedGen C0950123, MeSH D030342.

gnomAD v4.1: 1 of 1,613,238 alleles (0.000062%); highest among the groups gnomAD compares: Non-Finnish European, 0.000085%; no homozygotes.

Submissions (3):

Labcorp Genetics (formerly Invitae), Labcorp
Classification: Uncertain significance. Last evaluated: 2025-11-01. Review status: criteria provided, single submitter. Criteria: Invitae Variant Classification Sherloc (09022015). Collection method: clinical testing. Allele origin: germline.
Comment: This sequence change replaces aspartic acid, which is acidic and polar, with tyrosine, which is neutral and polar, at codon 333 of the SCN3A protein (p.Asp333Tyr). This variant is not present in population databases (gnomAD no frequency). This variant has not been reported in the literature in individuals affected with SCN3A-related conditions. ClinVar contains an entry for this variant (Variation ID: 992796). Invitae Evidence Modeling of protein sequence and biophysical properties (such as structural, functional, and spatial information, amino acid conservation, physicochemical variation, residue mobility, and thermodynamic stability) has been performed for this missense variant. However, the output from this modeling did not meet the statistical confidence thresholds required to predict the impact of this variant on SCN3A protein function. In summary, the available evidence is currently insufficient to determine the role of this variant in disease. Therefore, it has been classified as a Variant of Uncertain Significance.

Ambry Genetics
Classification: Uncertain significance for Inborn genetic diseases. Last evaluated: 2024-04-04. Review status: criteria provided, single submitter. Criteria: Ambry Variant Classification Scheme 2023. Collection method: clinical testing. Allele origin: germline.

New York Genome Center
Classification: Uncertain significance for Epilepsy, familial focal, with variable foci 4. Last evaluated: 2019-07-19. Review status: criteria provided, single submitter. Criteria: NYGC Assertion Criteria 2020. Collection method: clinical testing. Allele origin: germline. Observed: 1 heterozygote. Study: CSER-NYCKidSeq.

NM_006922.4(SCN3A):c.997G>T (p.Asp333Tyr)

Gene: SCN3A (sodium voltage-gated channel alpha subunit 3; minus strand). Cytogenetic location: 2q24.3.
Variant type: single nucleotide variant.
Coding change: c.997G>T on transcript NM_006922.4 (MANE Select); coding-DNA position 997, G replaced by T.
Protein change: p.Asp333Tyr; replaces aspartic acid 333 with tyrosine.
Molecular consequence: missense variant.
Genome position (GRCh38, 1-based): chr2:165,162,342, C>A on the plus strand (G>T on the coding strand, the complement: SCN3A is on the minus strand). VCF-style: chr2-165162342-C-A. GRCh37 (hg19) VCF-style: chr2-166018852-C-A.
Other names: c.997G>T, p.Asp333Tyr (NM_001081676.2, NM_001081677.2); short protein forms D333Y.
Identifiers: ClinVar variation 992796 (VCV000992796.6), dbSNP rs1689455424, ClinGen allele CA349238758.